The following is an entry in ClinVar:

ClinVar aggregate classification (germline): Benign/Likely benign. Review status: criteria provided, multiple submitters, no conflicts (2 of 4 stars). 12 submissions from 12 submitters: Benign (7); Likely benign (2). 3 of the submissions do not count toward it. Last evaluated 2026-02-02.

Conditions:
Alport syndrome. Also called: Hemorrhagic familial nephritis; Hemorrhagic hereditary nephritis; Congenital hereditary hematuria. Identifiers: Orphanet 63, MedGen C1567741, MONDO:0018965.
Focal segmental glomerulosclerosis (FSGS). Also called: Glomerulosclerosis, focal; Focal sclerosis with hyalinosis. Identifiers: MedGen C0017668, MONDO:0100313, HP:0000097. Disease mechanism: loss of function.

Allele frequency attached by ClinVar (database versions not stated): gnomAD exomes 0.00160 and 0.00403; ExAC 0.00492; 1000 Genomes Project 0.01518; gnomAD 0.01552 and 0.01659; 1000 Genomes Project 30x 0.01608; ESP Exome Variant Server 0.01614; TOPMed 0.01767.
gnomAD v4.1: 4,773 of 1,608,782 alleles (0.3%); highest among the groups gnomAD compares: African/African-American, 5.4%; 115 homozygotes.

Submissions (12):

Labcorp Genetics (formerly Invitae), Labcorp
Classification: Benign. Last evaluated: 2026-02-02. Review status: criteria provided, single submitter. Criteria: Invitae Variant Classification Sherloc (09022015). Collection method: clinical testing. Allele origin: germline.

Mayo Clinic Laboratories, Mayo Clinic
Classification: Benign. Last evaluated: 2023-12-07. Review status: criteria provided, single submitter. Criteria: ACMG Guidelines, 2015. Collection method: clinical testing. Allele origin: germline. Observed: 4 variant alleles.

Genome Diagnostics Laboratory, The Hospital for Sick Children
Classification: Benign for Focal segmental glomerulosclerosis. Last evaluated: 2021-06-04. Review status: criteria provided, single submitter. Criteria: ACMG Guidelines, 2015. Collection method: clinical testing. Allele origin: germline.

Athena Diagnostics
Classification: Benign. Last evaluated: 2018-02-28. Review status: criteria provided, single submitter. Criteria: Athena Diagnostics Criteria. Collection method: clinical testing. Allele origin: germline.

GeneDx
Classification: Benign. Last evaluated: 2017-10-09. Review status: criteria provided, single submitter. Criteria: GeneDx Variant Classification (06012015). Collection method: clinical testing. Allele origin: germline. Affected: yes.
Comment: This variant is considered likely benign or benign based on one or more of the following criteria: it is a conservative change, it occurs at a poorly conserved position in the protein, it is predicted to be benign by multiple in silico algorithms, and/or has population frequency not consistent with disease.

Illumina Laboratory Services, Illumina
Classification: Likely benign for Alport syndrome. Last evaluated: 2017-04-27. Review status: criteria provided, single submitter. Criteria: ICSL Variant Classification Criteria 13 December 2019. Collection method: clinical testing. Allele origin: germline.
Comment: This variant was observed as part of a predisposition screen in an ostensibly healthy population. A literature search was performed for the gene, cDNA change, and amino acid change (where applicable). No publications were found based on this search. Allele frequency data from public databases allowed determination this variant is unlikely to cause disease. Therefore, this variant is classified as likely benign.

Laboratory for Molecular Medicine, Mass General Brigham Personalized Medicine
Classification: Benign. Last evaluated: 2016-03-21. Review status: criteria provided, single submitter. Criteria: LMM Criteria. Collection method: clinical testing. Allele origin: germline. Observed: 2 variant alleles.
Comment: p.Pro1162Pro in exon 37 of COL4A4: This variant is not expected to have clinical significance because it does not alter an amino acid residue, is not located wi thin the splice consensus sequence, and has been identified in 5.65% (554/9802) of African chromosomes by the Exome Aggregation Consortium (ExAC; dbSNP rs2229815).

Breakthrough Genomics
Classification: Likely benign. Review status: criteria provided, single submitter. Criteria: ACMG Guidelines, 2015. Collection method: not provided. Allele origin: germline. Inheritance: Autosomal recessive inheritance. Affected: yes.

PreventionGenetics, part of Exact Sciences
Classification: Benign. Review status: criteria provided, single submitter. Criteria: ACMG Guidelines, 2015. Collection method: clinical testing. Allele origin: germline.

Natera, Inc.
Classification: Benign for Alport syndrome. Last evaluated: 2020-09-16. Review status: no assertion criteria provided. Collection method: clinical testing. Allele origin: germline. Not counted in ClinVar's aggregate classification.

Genome Diagnostics Laboratory, University Medical Center Utrecht
Classification: Benign. Review status: no assertion criteria provided. Collection method: clinical testing. Allele origin: germline. Affected: yes. Study: VKGL Data-share Consensus. Not counted in ClinVar's aggregate classification.

Joint Genome Diagnostic Labs from Nijmegen and Maastricht, Radboudumc and MUMC+
Classification: Benign. Review status: no assertion criteria provided. Collection method: clinical testing. Allele origin: germline. Affected: yes. Study: VKGL Data-share Consensus. Not counted in ClinVar's aggregate classification.

NM_000092.5(COL4A4):c.3486A>G (p.Pro1162=)

Gene: COL4A4 (collagen type IV alpha 4 chain; minus strand). Cytogenetic location: 2q36.3.
Variant type: single nucleotide variant.
Coding change: c.3486A>G on transcript NM_000092.5 (MANE Select); coding-DNA position 3486, A replaced by G.
Protein change: p.Pro1162=; no amino-acid change (proline 1162 retained).
Molecular consequence: synonymous variant.
Genome position (GRCh38, 1-based): chr2:227,042,167, T>C on the plus strand (A>G on the coding strand, the complement: COL4A4 is on the minus strand). VCF-style: chr2-227042167-T-C. GRCh37 (hg19) VCF-style: chr2-227906883-T-C.
Other names: p.Pro1162=.
Identifiers: ClinVar variation 255030 (VCV000255030.29), dbSNP rs2229815, ClinGen allele CA2144524.